The following is an entry in ClinVar:

ClinVar aggregate classification (germline): Uncertain significance. Review status: criteria provided, multiple submitters, no conflicts (2 of 4 stars). 3 submissions from 3 submitters: Uncertain significance (3). Last evaluated 2025-09-28.

Conditions:
Pierson syndrome. Also called: MICROCORIA-CONGENITAL NEPHROTIC SYNDROME. Identifiers: Orphanet 2670, MedGen C1836876, MONDO:0012184, OMIM 609049.
LAMB2-related infantile-onset nephrotic syndrome. Also called: NEPHROTIC SYNDROME, TYPE 5, WITHOUT OCULAR ABNORMALITIES; NEPHROTIC SYNDROME, TYPE 5, WITH OCULAR ABNORMALITIES; Nephrotic Syndrome, type 5. Identifiers: Orphanet 306507, MedGen C3280113, MONDO:0013621, OMIM 614199.
Inborn genetic diseases. Identifiers: MedGen C0950123, MeSH D030342.

Allele frequency attached by ClinVar (database versions not stated): gnomAD exomes 0.00003 and 0.00006; ExAC 0.00007; gnomAD 0.00011 and 0.00012; ESP Exome Variant Server 0.00015; 1000 Genomes Project 30x 0.00016; 1000 Genomes Project 0.00020; TOPMed 0.00028.
gnomAD v4.1: 70 of 1,614,050 alleles (0.0043%); highest among the groups gnomAD compares: African/African-American, 0.055%; no homozygotes.

Submissions (3):

Ambry Genetics
Classification: Uncertain significance for Inborn genetic diseases. Last evaluated: 2025-09-28. Review status: criteria provided, single submitter. Criteria: Ambry Variant Classification Scheme 2023. Collection method: clinical testing. Allele origin: germline.

Mayo Clinic Laboratories, Mayo Clinic
Classification: Uncertain significance. Last evaluated: 2024-09-30. Review status: criteria provided, single submitter. Criteria: ACMG Guidelines, 2015. Collection method: clinical testing. Allele origin: germline. Observed: 1 variant allele.

Labcorp Genetics (formerly Invitae), Labcorp
Classification: Uncertain significance for LAMB2-related infantile-onset nephrotic syndrome; Pierson syndrome. Last evaluated: 2022-10-18. Review status: criteria provided, single submitter. Criteria: Invitae Variant Classification Sherloc (09022015). Collection method: clinical testing. Allele origin: germline.
Comment: This sequence change replaces alanine, which is neutral and non-polar, with valine, which is neutral and non-polar, at codon 1738 of the LAMB2 protein (p.Ala1738Val). This variant is present in population databases (rs139156815, gnomAD 0.05%). This variant has not been reported in the literature in individuals affected with LAMB2-related conditions. ClinVar contains an entry for this variant (Variation ID: 472497). Algorithms developed to predict the effect of missense changes on protein structure and function (SIFT, PolyPhen-2, Align-GVGD) all suggest that this variant is likely to be disruptive. In summary, the available evidence is currently insufficient to determine the role of this variant in disease. Therefore, it has been classified as a Variant of Uncertain Significance.

NM_002292.4(LAMB2):c.5213C>T (p.Ala1738Val)

Gene: LAMB2 (laminin subunit beta 2; minus strand). Cytogenetic location: 3p21.31.
Variant type: single nucleotide variant.
Coding change: c.5213C>T on transcript NM_002292.4 (MANE Select); coding-DNA position 5213, C replaced by T.
Protein change: p.Ala1738Val; replaces alanine 1738 with valine.
Molecular consequence: missense variant.
Genome position (GRCh38, 1-based): chr3:49,121,480, G>A on the plus strand (C>T on the coding strand, the complement: LAMB2 is on the minus strand). VCF-style: chr3-49121480-G-A. GRCh37 (hg19) VCF-style: chr3-49158913-G-A.
Other names: p.Ala1738Val; short protein forms A1738V.
Identifiers: ClinVar variation 472497 (VCV000472497.7), dbSNP rs139156815, ClinGen allele CA2393582.
Genomic context (GRCh38, chr3:49,121,480, plus strand): 5'-CCCCATTTCTTACCCTGTAGCCGCTGCAGCTTGTCCTGAGCGGCTTGCAACAGGTCCCGA[G>A]CCTCATCCCGCAGTTGTTCTGCCCTTGCCTGTGCAGCCAGCACACCTTGGGCCTTGCGCT-3'
Protein context (NP_002283.3, residues 1728-1748): QARAEQLRDE[Ala1738Val]RDLLQAAQDK